The following is an entry in ClinVar:

NM_000548.5(TSC2):c.3857A>G (p.Gln1286Arg)

Gene: TSC2 (TSC complex subunit 2; plus strand). Cytogenetic location: 16p13.3.
Variant type: single nucleotide variant.
Coding change: c.3857A>G on transcript NM_000548.5 (MANE Select); coding-DNA position 3857, A replaced by G.
Protein change: p.Gln1286Arg; replaces glutamine 1286 with arginine.
Molecular consequence: missense variant. On other transcripts: non-coding transcript variant (1), intron variant (33).
Genome position (GRCh38, 1-based): chr16:2,082,478, A>G. VCF-style: chr16-2082478-A-G. GRCh37 (hg19) VCF-style: chr16-2132479-A-G.
Other names: c.3125A>G, p.Gln1042Arg (NM_001318831.2); c.3725A>G, p.Gln1242Arg (NM_001370404.1, NM_001406665.1); c.3728A>G, p.Gln1243Arg (NM_001370405.1, NM_021055.3); c.3854A>G, p.Gln1285Arg (NM_001406663.1); c.3257A>G, p.Gln1086Arg (NM_001406680.1); c.2384A>G, p.Gln795Arg (NM_001406690.1); c.2381A>G, p.Gln794Arg (NM_001406691.1); c.2341+680A>G (NM_001406693.1, NM_001406692.1, NM_001406694.1); and 25 more; short protein forms Q1242R, Q1285R, Q1042R, Q1086R, Q1286R, Q794R, Q1243R, Q795R.
Identifiers: ClinVar variation 3811335 (VCV003811335.1).
Genomic context (GRCh38, chr16:2,082,478, plus strand): 5'-CACGGCCTTCCCTTGCAGTGGCCTCTTTCTCCTCCCTGTACCAGTCCAGCTGCCAAGGAC[A>G]GCTGCACAGGAGCGTTTCCTGGGCAGGTATCGCCTCTCAGAGGGAAGCGGTTGGCTGCAG-3'
Protein context (NP_000539.2, residues 1276-1296): SSLYQSSCQG[Gln1286Arg]LHRSVSWADS

ClinVar aggregate classification (germline): Uncertain significance (1 of 4 stars; one submission).

Conditions:
Hereditary cancer-predisposing syndrome. Also called: Neoplastic Syndromes, Hereditary; Hereditary Cancer Syndrome; Tumor predisposition; Hereditary neoplastic syndrome. Identifiers: Orphanet 140162, MedGen C0027672, MeSH D009386, MONDO:0015356.

Submission:

Ambry Genetics
Classification: Uncertain significance for Hereditary cancer-predisposing syndrome. Last evaluated: 2025-01-10. Review status: criteria provided, single submitter. Criteria: Ambry Variant Classification Scheme 2023. Collection method: clinical testing. Allele origin: germline.
Comment: The p.Q1286R variant (also known as c.3857A>G), located in coding exon 31 of the TSC2 gene, results from an A to G substitution at nucleotide position 3857. The glutamine at codon 1286 is replaced by arginine, an amino acid with highly similar properties. This amino acid position is conserved. In addition, the in silico prediction for this alteration is inconclusive. Based on the available evidence, the clinical significance of this variant remains unclear.